The following is an entry in ClinVar:

ClinVar aggregate classification (germline): Uncertain significance (1 of 4 stars; one submission).

Submission:

Labcorp Genetics (formerly Invitae), Labcorp
Classification: Uncertain significance. Last evaluated: 2022-04-18. Review status: criteria provided, single submitter. Criteria: Invitae Variant Classification Sherloc (09022015). Collection method: clinical testing. Allele origin: germline.
Comment: This variant results in a copy number gain of the genomic region encompassing exon(s) 1 of the CTDP1 gene. This region includes the initiator codon of the gene. This copy number gain extends beyond the assayed region for this gene and therefore may encompass additional genes. As the precise location of this event is unknown, it may be in tandem or it may be located elsewhere in the genome. This variant has not been reported in the literature in individuals affected with CTDP1-related conditions. Experimental studies and prediction algorithms are not available or were not evaluated, and the functional significance of this variant is currently unknown. In summary, the available evidence is currently insufficient to determine the role of this variant in disease. Therefore, it has been classified as a Variant of Uncertain Significance.

NC_000018.9:g.(?_77221291)_(77440281_?)dup

Genes: CTDP1 (CTD phosphatase subunit 1; plus strand), NFATC1 (nuclear factor of activated T cells 1; plus strand). Cytogenetic location: 18q23.
Variant type: Duplication.
Identifiers: ClinVar variation 2425205 (VCV002425205.3).